The following is an entry in ClinVar:

ClinVar aggregate classification (germline): Uncertain significance. Review status: criteria provided, single submitter (1 of 4 stars). 2 submissions from 2 submitters: Uncertain significance (1). 1 of the submissions does not count toward it. Last evaluated 2024-05-25.

Conditions:
Cardiovascular phenotype. Identifiers: MedGen CN230736.
Hyperlipoproteinemia, type I. Also called: Lipoprotein Lipase Deficiency; Hyperlipoproteinemia type 1; Hyperchylomicro-nemia familial; Familial chylomicronemia; Hyperlipemia idiopathic Burger-Grutz type; Familial hyperlipo-proteinemia type 1. Identifiers: Orphanet 309015, Orphanet 444490, MedGen C0023817, MONDO:0009387, OMIM 238600. Disease mechanism: loss of function.

gnomAD v4.1: 1 of 1,614,058 alleles (0.000062%); highest among the groups gnomAD compares: African/African-American, 0.0013%; no homozygotes.

Submissions (2):

Ambry Genetics
Classification: Uncertain significance for Cardiovascular phenotype. Last evaluated: 2024-05-25. Review status: criteria provided, single submitter. Criteria: Ambry Variant Classification Scheme 2023. Collection method: clinical testing. Allele origin: germline.
Comment: The p.S422G variant (also known as c.1264A>G), located in coding exon 8 of the LPL gene, results from an A to G substitution at nucleotide position 1264. The serine at codon 422 is replaced by glycine, an amino acid with similar properties. This amino acid position is conserved. In addition, this alteration is predicted to be tolerated by in silico analysis. Based on the available evidence, the clinical significance of this variant remains unclear.

Natera, Inc.
Classification: Uncertain significance for Lipoprotein lipase deficiency. Last evaluated: 2025-02-17. Review status: no assertion criteria provided. Collection method: clinical testing. Allele origin: germline. Not counted in ClinVar's aggregate classification.

NM_000237.3(LPL):c.1264A>G (p.Ser422Gly)

Gene: LPL (lipoprotein lipase; plus strand). Cytogenetic location: 8p21.3.
Variant type: single nucleotide variant.
Coding change: c.1264A>G on transcript NM_000237.3 (MANE Select); coding-DNA position 1264, A replaced by G.
Protein change: p.Ser422Gly; replaces serine 422 with glycine.
Molecular consequence: missense variant.
Genome position (GRCh38, 1-based): chr8:19,961,025, A>G. VCF-style: chr8-19961025-A-G. GRCh37 (hg19) VCF-style: chr8-19818536-A-G.
Other names: short protein forms S422G.
Identifiers: ClinVar variation 3291191 (VCV003291191.2).